The following is an entry in ClinVar:

ClinVar aggregate classification (germline): Conflicting classifications of pathogenicity. Review status: criteria provided, conflicting classifications (1 of 4 stars). 5 submissions from 4 submitters: Uncertain significance (4); Benign (1). Last evaluated 2026-05-01.

Conditions:
Adams-Oliver syndrome 5 (AOS5). Identifiers: Orphanet 974, MedGen C4014970, MONDO:0014459, OMIM 616028.
Familial thoracic aortic aneurysm and aortic dissection (TAAD). Also called: Thoracic aortic aneurysms and dissections. Identifiers: Orphanet 91387, MedGen C4707243, MONDO:0019625.
Aortic valve disease 1 (AOVD1). Identifiers: MedGen C3887892, MONDO:0024523, OMIM 109730.

Allele frequency attached by ClinVar (database versions not stated): gnomAD exomes 0.00008 and 0.00009; ExAC 0.00011; TOPMed 0.00011; gnomAD 0.00013; 1000 Genomes Project 0.00020; 1000 Genomes Project 30x 0.00031; ESP Exome Variant Server 0.00033.
gnomAD v4.1: 146 of 1,612,874 alleles (0.0091%); highest among the groups gnomAD compares: Non-Finnish European, 0.011%; no homozygotes.

Submissions (5):

CeGaT Center for Human Genetics Tuebingen
Classification: Uncertain significance. Last evaluated: 2026-05-01. Review status: criteria provided, single submitter. Criteria: CeGaT Center For Human Genetics Tuebingen Variant Classification Criteria Version 2. Collection method: clinical testing. Allele origin: germline. Affected: yes. Observed: 3 variant alleles.

Labcorp Genetics (formerly Invitae), Labcorp
Classification: Benign for Adams-Oliver syndrome 5. Last evaluated: 2025-11-25. Review status: criteria provided, single submitter. Criteria: Invitae Variant Classification Sherloc (09022015). Collection method: clinical testing. Allele origin: germline.

Ambry Genetics
Classification: Uncertain significance for Familial thoracic aortic aneurysm and aortic dissection. Last evaluated: 2024-11-11. Review status: criteria provided, single submitter. Criteria: Ambry Variant Classification Scheme 2023. Collection method: clinical testing. Allele origin: germline.
Comment: The p.P284L variant (also known as c.851C>T), located in coding exon 5 of the NOTCH1 gene, results from a C to T substitution at nucleotide position 851. The proline at codon 284 is replaced by leucine, an amino acid with similar properties. This alteration was detected in a proband and child with bicuspid aortic valve (Foffa I et al. BMC Med Genet. 2013;14:44). This variant was also detected in a patient with congenital heart disease as well as non-cardiac findings who also harbored other variants (Jin SC et al. Nat Genet. 2017;49(11):1593-1601). This amino acid position is not well conserved in available vertebrate species. In addition, this alteration is predicted to be deleterious by in silico analysis. Based on the available evidence, the clinical significance of this variant remains unclear.

Genome-Nilou Lab
Classification: Uncertain significance for Adams-Oliver syndrome 5. Last evaluated: 2022-03-15. Review status: criteria provided, single submitter. Criteria: ACMG Guidelines, 2015. Collection method: clinical testing. Allele origin: germline. Affected: no.

Genome-Nilou Lab
Classification: Uncertain significance for Aortic valve disease 1. Last evaluated: 2022-03-15. Review status: criteria provided, single submitter. Criteria: ACMG Guidelines, 2015. Collection method: clinical testing. Allele origin: germline. Affected: no.

Literature cited by the submitters: PubMed 23578328 (cited by Ambry Genetics); PubMed 28991257 (cited by Ambry Genetics).

NM_017617.5(NOTCH1):c.851C>T (p.Pro284Leu)

Gene: NOTCH1 (notch receptor 1; minus strand). Cytogenetic location: 9q34.3.
Variant type: single nucleotide variant.
Coding change: c.851C>T on transcript NM_017617.5 (MANE Select); coding-DNA position 851, C replaced by T.
Protein change: p.Pro284Leu; replaces proline 284 with leucine.
Molecular consequence: missense variant.
Genome position (GRCh38, 1-based): chr9:136,519,457, G>A on the plus strand (C>T on the coding strand, the complement: NOTCH1 is on the minus strand). VCF-style: chr9-136519457-G-A. GRCh37 (hg19) VCF-style: chr9-139413909-G-A.
Other names: c.851C>T, p.Pro284Leu (LRG_1122t1); short protein forms P284L.
Identifiers: ClinVar variation 477977 (VCV000477977.48), dbSNP rs376104770, ClinGen allele CA5342025.